The following is an entry in ClinVar:

NM_022124.6(CDH23):c.6829+6G>A

Gene: CDH23 (cadherin related 23; plus strand). Cytogenetic location: 10q22.1.
Variant type: single nucleotide variant.
Coding change: c.6829+6G>A on transcript NM_022124.6 (MANE Select); 6 bases into the intron after coding-DNA position 6829, G replaced by A.
Molecular consequence: intron variant.
Genome position (GRCh38, 1-based): chr10:71,797,226, G>A. VCF-style: chr10-71797226-G-A. GRCh37 (hg19) VCF-style: chr10-73556983-G-A.
Other names: c.109+6G>A (NM_001171933.1, NM_001171934.1); c.6829+6G>A (NM_022124.5).
Identifiers: ClinVar variation 2147599 (VCV002147599.4), dbSNP rs377616243, ClinGen allele CA5546194.
Genomic context (GRCh38, chr10:71,797,226, plus strand): 5'-TCAGTGATTGACAATGCCAGCGACCTACCAGAGCGCTCTGTCAGTGTGCCAAATGGTAAG[G>A]TTCCCTGCAGACATCTCTCATTGGTCACTCAGAGCCAATCAGGGCAGGGGGCAGGTGGGG-3'

ClinVar aggregate classification (germline): Conflicting classifications of pathogenicity. Review status: criteria provided, conflicting classifications (1 of 4 stars). 3 submissions from 3 submitters: Uncertain significance (1); Likely benign (2). Last evaluated 2025-12-23.

Conditions:
CDH23-related disorder. Also called: CDH23-related condition; CDH23-related disorders.

Allele frequency attached by ClinVar (database versions not stated): gnomAD 0.00004.
gnomAD v4.1: 99 of 1,591,346 alleles (0.0062%); highest among the groups gnomAD compares: Middle Eastern, 0.017%; no homozygotes.

Submissions (3):

PreventionGenetics, part of Exact Sciences
Classification: Likely benign for CDH23-related condition. Last evaluated: 2025-12-23. Review status: criteria provided, single submitter. Criteria: ACMG Guidelines, 2015. Collection method: clinical testing. Allele origin: germline.
Comment: This variant is classified as likely benign based on ACMG/AMP sequence variant interpretation guidelines (Richards et al. 2015 PMID: 25741868, with internal and published modifications).

Labcorp Genetics (formerly Invitae), Labcorp
Classification: Uncertain significance. Last evaluated: 2025-10-12. Review status: criteria provided, single submitter. Criteria: Invitae Variant Classification Sherloc (09022015). Collection method: clinical testing. Allele origin: germline.
Comment: This sequence change falls in intron 49 of the CDH23 gene. It does not directly change the encoded amino acid sequence of the CDH23 protein. It affects a nucleotide within the consensus splice site. This variant is present in population databases (rs377616243, gnomAD 0.01%). This variant has not been reported in the literature in individuals affected with CDH23-related conditions. ClinVar contains an entry for this variant (Variation ID: 2147599). Variants that disrupt the consensus splice site are a relatively common cause of aberrant splicing (PMID: 17576681, 9536098). Algorithms developed to predict the effect of sequence changes on RNA splicing suggest that this variant is not likely to affect RNA splicing. In summary, the available evidence is currently insufficient to determine the role of this variant in disease. Therefore, it has been classified as a Variant of Uncertain Significance.

Blueprint Genetics
Classification: Likely benign. Last evaluated: 2024-02-08. Review status: criteria provided, single submitter. Criteria: ACMG Guidelines, 2015. Collection method: clinical testing. Allele origin: germline.

Literature cited by the submitters: PubMed 17576681 (cited by Labcorp Genetics (formerly Invitae), Labcorp); PubMed 9536098 (cited by Labcorp Genetics (formerly Invitae), Labcorp).